The following is an entry in ClinVar:

NM_000038.6(APC):c.2866T>C (p.Tyr956His)

Gene: APC (APC regulator of Wnt signaling pathway; plus strand). Cytogenetic location: 5q22.2.
Variant type: single nucleotide variant.
Coding change: c.2866T>C on transcript NM_000038.6 (MANE Select); coding-DNA position 2866, T replaced by C.
Protein change: p.Tyr956His; replaces tyrosine 956 with histidine.
Molecular consequence: missense variant.
Genome position (GRCh38, 1-based): chr5:112,838,460, T>C. VCF-style: chr5-112838460-T-C. GRCh37 (hg19) VCF-style: chr5-112174157-T-C.
Other names: c.2866T>C, p.Tyr956His (NM_001354895.2, NM_001127510.3); c.2812T>C, p.Tyr938His (NM_001127511.3); c.2920T>C, p.Tyr974His (NM_001354896.2); c.2896T>C, p.Tyr966His (NM_001354897.2); c.2791T>C, p.Tyr931His (NM_001354898.2); c.2782T>C, p.Tyr928His (NM_001354899.2); c.2743T>C, p.Tyr915His (NM_001354900.2); c.2689T>C, p.Tyr897His (NM_001354901.2); and 5 more; short protein forms Y938H, Y956H, Y830H, Y966H, Y673H, Y855H, Y865H, Y915H.
Identifiers: ClinVar variation 489431 (VCV000489431.23), dbSNP rs765131179, ClinGen allele CA033798.

ClinVar aggregate classification (germline): Uncertain significance. Review status: criteria provided, multiple submitters, no conflicts (2 of 4 stars). 4 submissions from 4 submitters: Uncertain significance (4). Last evaluated 2025-10-15.

Conditions:
Familial adenomatous polyposis 1 (FAP1). Also called: POLYPOSIS, ADENOMATOUS INTESTINAL; FAMILIAL ADENOMATOUS POLYPOSIS 1, ATTENUATED. Identifiers: MedGen C2713442, MONDO:0021056, OMIM 175100. Disease mechanism: loss of function.
Hereditary cancer-predisposing syndrome. Also called: Hereditary Cancer Syndrome; Neoplastic Syndromes, Hereditary; Tumor predisposition; Hereditary neoplastic syndrome. Identifiers: Orphanet 140162, MedGen C0027672, MeSH D009386, MONDO:0015356.

Allele frequency attached by ClinVar (database versions not stated): ExAC 0.00001; gnomAD exomes 0.00001.
gnomAD v4.1: 15 of 1,614,198 alleles (0.00093%); highest among the groups gnomAD compares: Non-Finnish European, 0.0012%; no homozygotes.

Submissions (4):

Labcorp Genetics (formerly Invitae), Labcorp
Classification: Uncertain significance for Familial adenomatous polyposis 1. Last evaluated: 2025-10-15. Review status: criteria provided, single submitter. Criteria: Invitae Variant Classification Sherloc (09022015). Collection method: clinical testing. Allele origin: germline.
Comment: This sequence change replaces tyrosine, which is neutral and polar, with histidine, which is basic and polar, at codon 956 of the APC protein (p.Tyr956His). This variant is present in population databases (rs765131179, gnomAD 0.003%). This variant has not been reported in the literature in individuals affected with APC-related conditions. ClinVar contains an entry for this variant (Variation ID: 489431). Invitae Evidence Modeling of protein sequence and biophysical properties (such as structural, functional, and spatial information, amino acid conservation, physicochemical variation, residue mobility, and thermodynamic stability) indicates that this missense variant is not expected to disrupt APC protein function with a negative predictive value of 95%. In summary, the available evidence is currently insufficient to determine the role of this variant in disease. Therefore, it has been classified as a Variant of Uncertain Significance.

Ambry Genetics
Classification: Uncertain significance for Hereditary cancer-predisposing syndrome. Last evaluated: 2024-06-15. Review status: criteria provided, single submitter. Criteria: Ambry Variant Classification Scheme 2023. Collection method: clinical testing. Allele origin: germline.
Comment: The p.Y956H variant (also known as c.2866T>C), located in coding exon 15 of the APC gene, results from a T to C substitution at nucleotide position 2866. The tyrosine at codon 956 is replaced by histidine, an amino acid with similar properties. This amino acid position is highly conserved in available vertebrate species. In addition, in silico predictors for this gene do not accurately predict pathogenicity. Since supporting evidence is limited at this time, the clinical significance of this alteration remains unclear.

Color Diagnostics, LLC DBA Color Health
Classification: Uncertain significance for Hereditary cancer-predisposing syndrome. Last evaluated: 2024-03-06. Review status: criteria provided, single submitter. Criteria: ACMG Guidelines, 2015. Collection method: clinical testing. Allele origin: germline.
Comment: This missense variant replaces tyrosine with histidine at codon 956 of the APC protein. Computational prediction is inconclusive regarding the impact of this variant on protein structure and function (internally defined REVEL score threshold 0.5 < inconclusive < 0.7, PMID: 27666373). To our knowledge, functional studies have not been reported for this variant. This variant has not been reported in individuals affected with hereditary cancer in the literature. This variant has been identified in 3/250930 chromosomes in the general population by the Genome Aggregation Database (gnomAD). The available evidence is insufficient to determine the role of this variant in disease conclusively. Therefore, this variant is classified as a Variant of Uncertain Significance.

GeneDx
Classification: Uncertain significance. Last evaluated: 2019-12-16. Review status: criteria provided, single submitter. Criteria: GeneDx Variant Classification Process June 2021. Collection method: clinical testing. Allele origin: germline. Affected: yes.
Comment: In silico analysis, which includes protein predictors and evolutionary conservation, supports that this variant does not alter protein structure/function; Has not been previously published as pathogenic or benign to our knowledge